The following is an entry in ClinVar:

NM_206933.4(USH2A):c.4188G>A (p.Gly1396=)

Genes: USH2A (usherin; minus strand), USH2A-AS1 (USH2A antisense RNA 1; plus strand). Cytogenetic location: 1q41.
Variant type: single nucleotide variant.
Coding change: c.4188G>A on transcript NM_206933.4 (MANE Select); coding-DNA position 4188, G replaced by A.
Protein change: p.Gly1396=; no amino-acid change (glycine 1396 retained).
Molecular consequence: synonymous variant.
Genome position (GRCh38, 1-based): chr1:216,196,616, C>T on the plus strand (G>A on the coding strand, the complement: USH2A is on the minus strand). VCF-style: chr1-216196616-C-T. GRCh37 (hg19) VCF-style: chr1-216369958-C-T.
Other names: c.4188G>A, p.Gly1396= (NM_007123.6); c.4188G>A (NM_206933.2).
Identifiers: ClinVar variation 2201156 (VCV002201156.5), dbSNP rs1037824476, ClinGen allele CA37502782.

ClinVar aggregate classification (germline): Likely benign. Review status: criteria provided, multiple submitters, no conflicts (2 of 4 stars). 2 submissions from 2 submitters: Likely benign (2). Last evaluated 2025-04-14.

Conditions:
USH2A-related disorder. Also called: USH2A-related disorders; USH2A-related condition. Identifiers: MedGen CN239332.

Allele frequency attached by ClinVar (database versions not stated): gnomAD 0.00001.
gnomAD v4.1: 2 of 1,613,490 alleles (0.00012%); highest among the groups gnomAD compares: African/African-American, 0.0027%; no homozygotes.

Submissions (2):

PreventionGenetics, part of Exact Sciences
Classification: Likely benign for USH2A-related condition. Last evaluated: 2025-04-14. Review status: criteria provided, single submitter. Criteria: ACMG Guidelines, 2015. Collection method: clinical testing. Allele origin: germline.
Comment: This variant is classified as likely benign based on ACMG/AMP sequence variant interpretation guidelines (Richards et al. 2015 PMID: 25741868, with internal and published modifications).

Labcorp Genetics (formerly Invitae), Labcorp
Classification: Likely benign. Last evaluated: 2022-09-28. Review status: criteria provided, single submitter. Criteria: Invitae Variant Classification Sherloc (09022015). Collection method: clinical testing. Allele origin: germline.